The following is an entry in ClinVar:

ClinVar aggregate classification (germline): Uncertain significance (1 of 4 stars; one submission).

gnomAD v4.1: 1 of 1,612,874 alleles (0.000062%); highest among the groups gnomAD compares: Non-Finnish European, 0.000085%; no homozygotes.

Submission:

GeneDx
Classification: Uncertain significance. Last evaluated: 2025-01-26. Review status: criteria provided, single submitter. Criteria: GeneDx Variant Classification Process June 2021. Collection method: clinical testing. Allele origin: germline. Affected: yes.
Comment: Not observed at significant frequency in large population cohorts (gnomAD); In silico analysis supports that this missense variant has a deleterious effect on protein structure/function; Has not been previously published as pathogenic or benign to our knowledge

NM_005215.4(DCC):c.2918C>T (p.Ala973Val)

Gene: DCC (DCC netrin 1 receptor; plus strand). Cytogenetic location: 18q21.2.
Variant type: single nucleotide variant.
Coding change: c.2918C>T on transcript NM_005215.4 (MANE Select); coding-DNA position 2918, C replaced by T.
Protein change: p.Ala973Val; replaces alanine 973 with valine.
Molecular consequence: missense variant.
Genome position (GRCh38, 1-based): chr18:53,402,876, C>T. VCF-style: chr18-53402876-C-T. GRCh37 (hg19) VCF-style: chr18-50929246-C-T.
Other names: short protein forms A973V.
Identifiers: ClinVar variation 4071898 (VCV004071898.1).